The following is an entry in ClinVar:

ClinVar aggregate classification (germline): Likely benign (1 of 4 stars; one submission).

gnomAD v4.1: 5 of 1,613,608 alleles (0.00031%); highest among the groups gnomAD compares: Admixed American, 0.0083%; no homozygotes.

Submission:

CeGaT Center for Human Genetics Tuebingen
Classification: Likely benign. Last evaluated: 2026-01-01. Review status: criteria provided, single submitter. Criteria: CeGaT Center For Human Genetics Tuebingen Variant Classification Criteria Version 2. Collection method: clinical testing. Allele origin: germline. Affected: yes. Observed: 1 variant allele.
Comment: USP10: BP4, BP7

NM_005153.3(USP10):c.609A>C (p.Ser203=)

Gene: USP10 (ubiquitin specific peptidase 10; plus strand). Cytogenetic location: 16q24.1.
Variant type: single nucleotide variant.
Coding change: c.609A>C on transcript NM_005153.3 (MANE Select); coding-DNA position 609, A replaced by C.
Protein change: p.Ser203=; no amino-acid change (serine 203 retained).
Molecular consequence: synonymous variant. On other transcripts: non-coding transcript variant (1).
Genome position (GRCh38, 1-based): chr16:84,745,090, A>C. VCF-style: chr16-84745090-A-C. GRCh37 (hg19) VCF-style: chr16-84778696-A-C.
Other names: c.621A>C, p.Ser207= (NM_001272075.2).
Identifiers: ClinVar variation 4821635 (VCV004821635.4).